The following is an entry in ClinVar:

NM_014915.3(ANKRD26):c.937G>A (p.Asp313Asn)

Gene: ANKRD26 (ankyrin repeat domain 26; minus strand). Cytogenetic location: 10p12.1.
Variant type: single nucleotide variant.
Coding change: c.937G>A on transcript NM_014915.3 (MANE Select); coding-DNA position 937, G replaced by A.
Protein change: p.Asp313Asn; replaces aspartic acid 313 with asparagine.
Molecular consequence: missense variant.
Genome position (GRCh38, 1-based): chr10:27,077,478, C>T on the plus strand (G>A on the coding strand, the complement: ANKRD26 is on the minus strand). VCF-style: chr10-27077478-C-T. GRCh37 (hg19) VCF-style: chr10-27366407-C-T.
Other names: c.937G>A, p.Asp313Asn (NM_001256053.2); short protein forms D313N.
Identifiers: ClinVar variation 880122 (VCV000880122.10), dbSNP rs61730102, ClinGen allele CA5448730.

ClinVar aggregate classification (germline): Benign/Likely benign. Review status: criteria provided, multiple submitters, no conflicts (2 of 4 stars). 4 submissions from 4 submitters: Benign (1); Likely benign (3). Last evaluated 2025-12-10.

Conditions:
ANKRD26-related disorder. Also called: ANKRD26-related condition.
Thrombocytopenia 2 (THC2). Also called: ANKRD26-Related Thrombocytopenia. Identifiers: Orphanet 268322, MedGen C1861185, MONDO:0008555, OMIM 188000.

Allele frequency attached by ClinVar (database versions not stated): 1000 Genomes Project 30x 0.00016; TOPMed 0.00022.

Submissions (4):

Labcorp Genetics (formerly Invitae), Labcorp
Classification: Likely benign. Last evaluated: 2025-12-10. Review status: criteria provided, single submitter. Criteria: Invitae Variant Classification Sherloc (09022015). Collection method: clinical testing. Allele origin: germline.

PreventionGenetics, part of Exact Sciences
Classification: Likely benign for ANKRD26-related condition. Last evaluated: 2025-01-17. Review status: criteria provided, single submitter. Criteria: ACMG Guidelines, 2015. Collection method: clinical testing. Allele origin: germline.
Comment: This variant is classified as likely benign based on ACMG/AMP sequence variant interpretation guidelines (Richards et al. 2015 PMID: 25741868, with internal and published modifications).

Fulgent Genetics
Classification: Likely benign for Thrombocytopenia 2. Last evaluated: 2021-10-05. Review status: criteria provided, single submitter. Criteria: ACMG Guidelines, 2015. Collection method: clinical testing. Allele origin: unknown.

Illumina Laboratory Services, Illumina
Classification: Benign for Thrombocytopenia 2. Last evaluated: 2018-01-12. Review status: criteria provided, single submitter. Criteria: ICSL Variant Classification Criteria 13 December 2019. Collection method: clinical testing. Allele origin: germline.
Comment: This variant was observed in the ICSL laboratory as part of a predisposition screen in an ostensibly healthy population. It had not been previously curated by ICSL or reported in the Human Gene Mutation Database (HGMD: prior to June 1st, 2018), and was therefore a candidate for classification through an automated scoring system. Utilizing variant allele frequency, disease prevalence and penetrance estimates, and inheritance mode, an automated score was calculated to assess if this variant is too frequent to cause the disease. Based on the score and internal cut-off values, a variant classified as benign is not then subjected to further curation. The score for this variant resulted in a classification of benign for this disease.